The following is an entry in ClinVar:

NM_017547.4(FOXRED1):c.734-1G>C

Gene: FOXRED1 (FAD dependent oxidoreductase domain containing 1; plus strand). Cytogenetic location: 11q24.2.
Variant type: single nucleotide variant.
Coding change: c.734-1G>C on transcript NM_017547.4 (MANE Select); the canonical splice acceptor site of the intron before coding-DNA position 734, G replaced by C.
Molecular consequence: splice acceptor variant.
Genome position (GRCh38, 1-based): chr11:126,275,793, G>C. VCF-style: chr11-126275793-G-C. GRCh37 (hg19) VCF-style: chr11-126145688-G-C.
Identifiers: ClinVar variation 1032749 (VCV001032749.1), dbSNP rs1296948086, ClinGen allele CA383230297.

ClinVar aggregate classification (germline): Likely pathogenic (1 of 4 stars; one submission).

Conditions:
Leigh syndrome (NULS). Also called: Subacute necrotizing encephalopathy; Necrotizing encephalopathy infantile subacute of Leigh; Leigh's syndrome; Leigh Disease; LEIGH SYNDROME, NUCLEAR; Leigh's necrotizing encephalopathy. Identifiers: Orphanet 506, MedGen C2931891, MONDO:0009723, OMIM 256000.

Allele frequency attached by ClinVar (database versions not stated): gnomAD 0.00001.
gnomAD v4.1: 1 of 1,606,416 alleles (0.000062%); highest among the groups gnomAD compares: African/African-American, 0.0013%; no homozygotes.

Submission:

Baylor Genetics
Classification: Likely pathogenic for Leigh syndrome. Last evaluated: 2018-01-16. Review status: criteria provided, single submitter. Criteria: ACMG Guidelines, 2015. Collection method: clinical testing. Allele origin: unknown. Affected: yes.
Comment: This variant was determined to be likely pathogenic according to ACMG Guidelines, 2015 [PMID:25741868].